The following is an entry in ClinVar:

ClinVar aggregate classification (germline): Uncertain significance (1 of 4 stars; one submission).

Conditions:
Duchenne muscular dystrophy (DMD). Also called: Duchenne Muscular Dystrophy (DMD); MUSCULAR DYSTROPHY, PSEUDOHYPERTROPHIC PROGRESSIVE, DUCHENNE TYPE. Identifiers: Orphanet 98896, MedGen C0013264, MONDO:0010679, OMIM 310200.

Submission:

Labcorp Genetics (formerly Invitae), Labcorp
Classification: Uncertain significance for Duchenne muscular dystrophy. Last evaluated: 2024-10-01. Review status: criteria provided, single submitter. Criteria: Invitae Variant Classification Sherloc (09022015). Collection method: clinical testing. Allele origin: germline.
Comment: This sequence change replaces threonine, which is neutral and polar, with alanine, which is neutral and non-polar, at codon 2656 of the DMD protein (p.Thr2656Ala). This variant is not present in population databases (gnomAD no frequency). This variant has not been reported in the literature in individuals affected with DMD-related conditions. Invitae Evidence Modeling of protein sequence and biophysical properties (such as structural, functional, and spatial information, amino acid conservation, physicochemical variation, residue mobility, and thermodynamic stability) indicates that this missense variant is not expected to disrupt DMD protein function with a negative predictive value of 95%. In summary, the available evidence is currently insufficient to determine the role of this variant in disease. Therefore, it has been classified as a Variant of Uncertain Significance.

NM_004006.3(DMD):c.7966A>G (p.Thr2656Ala)

Gene: DMD (dystrophin; minus strand). Cytogenetic location: Xp21.1.
Variant type: single nucleotide variant.
Coding change: c.7966A>G on transcript NM_004006.3 (MANE Select); coding-DNA position 7966, A replaced by G.
Protein change: p.Thr2656Ala; replaces threonine 2656 with alanine.
Molecular consequence: missense variant.
Genome position (GRCh38, 1-based): chrX:31,658,051, T>C on the plus strand (A>G on the coding strand, the complement: DMD is on the minus strand). VCF-style: chrX-31658051-T-C. GRCh37 (hg19) VCF-style: chrX-31676168-T-C.
Other names: c.7942A>G, p.Thr2648Ala (NM_000109.4); c.7954A>G, p.Thr2652Ala (NM_004009.3); c.7597A>G, p.Thr2533Ala (NM_004010.3); c.3943A>G, p.Thr1315Ala (NM_004011.4); c.3934A>G, p.Thr1312Ala (NM_004012.4); c.586A>G, p.Thr196Ala (NM_004013.3, NM_004020.4, NM_004021.3 and 2 more transcripts); short protein forms T1315A, T2656A, T2648A, T2533A, T1312A, T196A, T2652A.
Identifiers: ClinVar variation 3715751 (VCV003715751.2).
Genomic context (GRCh38, chrX:31,658,051, plus strand): 5'-TTTTATGAATGCTTCTCCAAGAGGCATTGATATTCTCTGTTATCATGTGGACTTTTCTGG[T>C]ATCATCTGCAGAATAATCCCGGAGAAGTTTCAGGGCCAAGTCATTTGCCACATCTACATT-3'
Protein context (NP_003997.2, residues 2646-2666): KLLRDYSADD[Thr2656Ala]RKVHMITENI